The following is an entry in ClinVar:

NM_004183.4(BEST1):c.140G>T (p.Arg47Leu)

Gene: BEST1 (bestrophin 1; plus strand). Cytogenetic location: 11q12.3.
Variant type: single nucleotide variant.
Coding change: c.140G>T on transcript NM_004183.4 (MANE Select); coding-DNA position 140, G replaced by T.
Protein change: p.Arg47Leu; replaces arginine 47 with leucine.
Molecular consequence: missense variant. On other transcripts: non-coding transcript variant (1), intron variant (6).
Genome position (GRCh38, 1-based): chr11:61,951,946, G>T. VCF-style: chr11-61951946-G-T. GRCh37 (hg19) VCF-style: chr11-61719418-G-T.
Other names: c.140G>T, p.Arg47Leu (NM_001363592.2, NM_001440571.1, NM_001440572.1 and 1 more transcripts); c.-29+1519G>T (NM_001139443.3, NM_001300787.2, NM_001440574.1 and 3 more transcripts); short protein forms R47L.
Identifiers: ClinVar variation 2128116 (VCV002128116.4), dbSNP rs28940278, ClinGen allele CA380832164.

ClinVar aggregate classification (germline): Likely pathogenic (1 of 4 stars; one submission).

Submission:

Labcorp Genetics (formerly Invitae), Labcorp
Classification: Likely pathogenic. Last evaluated: 2022-11-29. Review status: criteria provided, single submitter. Criteria: Invitae Variant Classification Sherloc (09022015). Collection method: clinical testing. Allele origin: germline.
Comment: This variant disrupts the p.Arg47 amino acid residue in BEST1. Other variant(s) that disrupt this residue have been determined to be pathogenic (PMID: 21273940, 22162627, 28590961, 29976937). This suggests that this residue is clinically significant, and that variants that disrupt this residue are likely to be disease-causing. Advanced modeling of protein sequence and biophysical properties (such as structural, functional, and spatial information, amino acid conservation, physicochemical variation, residue mobility, and thermodynamic stability) performed at Invitae indicates that this missense variant is expected to disrupt BEST1 protein function. This variant has not been reported in the literature in individuals affected with BEST1-related conditions. This variant is not present in population databases (gnomAD no frequency). This sequence change replaces arginine, which is basic and polar, with leucine, which is neutral and non-polar, at codon 47 of the BEST1 protein (p.Arg47Leu). In summary, the currently available evidence indicates that the variant is pathogenic, but additional data are needed to prove that conclusively. Therefore, this variant has been classified as Likely Pathogenic.

Literature cited by the submitters: PubMed 21273940; PubMed 22162627; PubMed 28590961; PubMed 29976937.